The following is an entry in ClinVar:

ClinVar aggregate classification (germline): Benign. Review status: criteria provided, single submitter (1 of 4 stars). 2 submissions from 1 submitter: Benign (2). Last evaluated 2018-01-12.

Conditions:
Encephalopathy due to GLUT1 deficiency. Also called: GLUCOSE TRANSPORT DEFECT, BLOOD-BRAIN BARRIER; De Vivo disease; Glucose transporter protein syndrome; Classic Glucose Transporter Type 1 Deficiency Syndrome; GLUT1 deficiency syndrome 1; GLUT1 deficiency syndrome 1, infantile onset, severe. Identifiers: Orphanet 71277, MedGen C4551966, MONDO:0011724, OMIM 606777.
Dystonia 9 (DYT9). Also called: CHOREOATHETOSIS, KINESIGENIC, WITH EPISODIC ATAXIA AND SPASTICITY. Identifiers: Orphanet 53583, MedGen C1832855, MONDO:0010983, OMIM 601042.

Allele frequency attached by ClinVar (database versions not stated): gnomAD exomes 0.00005; gnomAD 0.00009 and 0.00013; TOPMed 0.00017; 1000 Genomes Project 0.00080; 1000 Genomes Project 30x 0.00094.
gnomAD v4.1: 42 of 584,364 alleles (0.0072%); highest among the groups gnomAD compares: East Asian, 0.26%; no homozygotes.

Submissions (2):

Illumina Laboratory Services, Illumina
Classification: Benign for Dystonia 9. Last evaluated: 2018-01-12. Review status: criteria provided, single submitter. Criteria: ICSL Variant Classification Criteria 13 December 2019. Collection method: clinical testing. Allele origin: germline.
Comment: This variant was observed in the ICSL laboratory as part of a predisposition screen in an ostensibly healthy population. It had not been previously curated by ICSL or reported in the Human Gene Mutation Database (HGMD: prior to June 1st, 2018), and was therefore a candidate for classification through an automated scoring system. Utilizing variant allele frequency, disease prevalence and penetrance estimates, and inheritance mode, an automated score was calculated to assess if this variant is too frequent to cause the disease. Based on the score and internal cut-off values, a variant classified as benign is not then subjected to further curation. The score for this variant resulted in a classification of benign for this disease.

Illumina Laboratory Services, Illumina
Classification: Benign for Encephalopathy due to GLUT1 deficiency. Last evaluated: 2018-01-12. Review status: criteria provided, single submitter. Criteria: ICSL Variant Classification Criteria 13 December 2019. Collection method: clinical testing. Allele origin: germline.
Comment: the same text as in the submission from Illumina Laboratory Services, Illumina above.

NM_006516.4(SLC2A1):c.*463T>C

Gene: SLC2A1 (solute carrier family 2 member 1; minus strand). Cytogenetic location: 1p34.2.
Variant type: single nucleotide variant.
Coding change: c.*463T>C on transcript NM_006516.4 (MANE Select); 463 bases downstream of the stop codon, T replaced by C.
Molecular consequence: 3 prime UTR variant.
Genome position (GRCh38, 1-based): chr1:42,926,578, A>G on the plus strand (T>C on the coding strand, the complement: SLC2A1 is on the minus strand). VCF-style: chr1-42926578-A-G. GRCh37 (hg19) VCF-style: chr1-43392249-A-G.
Identifiers: ClinVar variation 875725 (VCV000875725.4), dbSNP rs186437621, ClinGen allele CA21248525.
Genomic context (GRCh38, chr1:42,926,578, plus strand): 5'-GGGAAGGGGCAAATCCTAATGGAGCCTGACCCCTAGAGTGGGGAGATCCAGGCCAGCAGA[A>G]CGGGTGGCCATAGCCACCTCCTGGGATAGAAGCTTTGTAGTTCATAGTTCGATTAGTGTG-3'